The following is an entry in ClinVar:

NM_024876.4(COQ8B):c.863G>A (p.Arg288His)

Gene: COQ8B (coenzyme Q8B; minus strand). Cytogenetic location: 19q13.2.
Variant type: single nucleotide variant.
Coding change: c.863G>A on transcript NM_024876.4 (MANE Select); coding-DNA position 863, G replaced by A.
Protein change: p.Arg288His; replaces arginine 288 with histidine.
Molecular consequence: missense variant.
Genome position (GRCh38, 1-based): chr19:40,702,630, C>T on the plus strand (G>A on the coding strand, the complement: COQ8B is on the minus strand). VCF-style: chr19-40702630-C-T. GRCh37 (hg19) VCF-style: chr19-41208535-C-T.
Other names: c.740G>A, p.Arg247His (NM_001142555.3); c.863G>A (NM_024876.3); short protein forms R288H, R247H.
Identifiers: ClinVar variation 2043812 (VCV002043812.7), dbSNP rs142018195, ClinGen allele CA9450240.
Genomic context (GRCh38, chr19:40,702,630, plus strand): 5'-AAGGAGGGAAGCTCAGGGCACTCAGCTCACCTGAAATTCTGGGCACAAGCCGCCTCACGA[C>T]GGTAGTCACACTCCCAAGCCAGCTCCTGCTGCAAGGCCTGCAGGCTCTGCTCGGCAAACA-3'
Protein context (NP_079152.3, residues 278-298): QQELAWECDY[Arg288His]REAACAQNFR

ClinVar aggregate classification (germline): Conflicting classifications of pathogenicity. Review status: criteria provided, conflicting classifications (1 of 4 stars). 3 submissions from 3 submitters: Uncertain significance (2); Likely benign (1). Last evaluated 2026-02-04.

Conditions:
Inborn genetic diseases. Identifiers: MedGen C0950123, MeSH D030342.

Allele frequency attached by ClinVar (database versions not stated): ESP Exome Variant Server 0.00015; TOPMed 0.00019; 1000 Genomes Project 30x 0.00016; gnomAD 0.00013; 1000 Genomes Project 0.00020.
gnomAD v4.1: 65 of 1,612,658 alleles (0.004%); highest among the groups gnomAD compares: African/African-American, 0.051%; no homozygotes.

Submissions (3):

GeneDx
Classification: Uncertain significance. Last evaluated: 2026-02-04. Review status: criteria provided, single submitter. Criteria: GeneDx Variant Classification Process June 2021. Collection method: clinical testing. Allele origin: germline.
Comment: In silico analysis suggests that this missense variant does not alter protein structure/function; Has not been previously published as pathogenic or benign to our knowledge

Labcorp Genetics (formerly Invitae), Labcorp
Classification: Likely benign. Last evaluated: 2025-10-01. Review status: criteria provided, single submitter. Criteria: Invitae Variant Classification Sherloc (09022015). Collection method: clinical testing. Allele origin: germline.

Ambry Genetics
Classification: Uncertain significance for Inborn genetic diseases. Last evaluated: 2021-10-12. Review status: criteria provided, single submitter. Criteria: Ambry Variant Classification Scheme 2023. Collection method: clinical testing. Allele origin: germline.